The following is an entry in ClinVar:

ClinVar aggregate classification (germline): Uncertain significance. Review status: criteria provided, single submitter (1 of 4 stars). 2 submissions from 2 submitters: Uncertain significance (1). 1 of the submissions does not count toward it. Last evaluated 2025-04-29.

Conditions:
PLCG2-related disorder. Also called: PLCG2-related condition.
Inborn genetic diseases. Identifiers: MedGen C0950123, MeSH D030342.

gnomAD v4.1: 1 of 1,614,040 alleles (0.000062%); highest among the groups gnomAD compares: African/African-American, 0.0013%; no homozygotes.

Submissions (2):

Ambry Genetics
Classification: Uncertain significance for Inborn genetic diseases. Last evaluated: 2025-04-29. Review status: criteria provided, single submitter. Criteria: Ambry Variant Classification Scheme 2023. Collection method: clinical testing. Allele origin: germline.

PreventionGenetics, part of Exact Sciences
Classification: Uncertain significance for PLCG2-related condition. Last evaluated: 2024-07-24. Review status: no assertion criteria provided. Collection method: clinical testing. Allele origin: germline. Not counted in ClinVar's aggregate classification.
Comment: The PLCG2 c.224C>G variant is predicted to result in the amino acid substitution p.Pro75Arg. To our knowledge, this variant has not been reported in the literature or in a large population database, indicating this variant is rare. At this time, the clinical significance of this variant is uncertain due to the absence of conclusive functional and genetic evidence.

NM_002661.5(PLCG2):c.224C>G (p.Pro75Arg)

Gene: PLCG2 (phospholipase C gamma 2; plus strand). Cytogenetic location: 16q23.3.
Variant type: single nucleotide variant.
Coding change: c.224C>G on transcript NM_002661.5 (MANE Select); coding-DNA position 224, C replaced by G.
Protein change: p.Pro75Arg; replaces proline 75 with arginine.
Molecular consequence: missense variant.
Genome position (GRCh38, 1-based): chr16:81,854,474, C>G. VCF-style: chr16-81854474-C-G. GRCh37 (hg19) VCF-style: chr16-81888079-C-G.
Other names: c.224C>G, p.Pro75Arg (NM_001425749.1, NM_001425750.1, NM_001425751.1); short protein forms P75R.
Identifiers: ClinVar variation 3347661 (VCV003347661.2).